The following is an entry in ClinVar:

NM_014679.5(CEP57):c.125A>C (p.Asp42Ala)

Gene: CEP57 (centrosomal protein 57; plus strand). Cytogenetic location: 11q21.
Variant type: single nucleotide variant.
Coding change: c.125A>C on transcript NM_014679.5 (MANE Select); coding-DNA position 125, A replaced by C.
Protein change: p.Asp42Ala; replaces aspartic acid 42 with alanine.
Molecular consequence: missense variant.
Genome position (GRCh38, 1-based): chr11:95,799,311, A>C. VCF-style: chr11-95799311-A-C. GRCh37 (hg19) VCF-style: chr11-95532475-A-C.
Other names: c.98A>C, p.Asp33Ala (NM_001243776.2); c.125A>C, p.Asp42Ala (NM_001243777.2, NM_001440871.1, NM_001440872.1 and 6 more transcripts); c.44A>C, p.Asp15Ala (NM_001363604.2, NM_001440869.1, NM_001440870.1 and 4 more transcripts); short protein forms D15A, D33A, D42A.
Identifiers: ClinVar variation 4613448 (VCV004613448.1).
Genomic context (GRCh38, chr11:95,799,311, plus strand): 5'-CAAGGTCTAATGGAAGCATGGTTCGGCATTCTTCATCTCCATATGTAGTATATCCTTCGG[A>C]TAAGCCTTTCCTTAATAGTGATCTACGACGCTCCCCAAGTAAGCCTACACTTGCCTATCC-3'
Protein context (NP_055494.2, residues 32-52): SSSPYVVYPS[Asp42Ala]KPFLNSDLRR

ClinVar aggregate classification (germline): Uncertain significance (1 of 4 stars; one submission).

Conditions:
Inborn genetic diseases. Identifiers: MedGen C0950123, MeSH D030342.

Submission:

Ambry Genetics
Classification: Uncertain significance for Inborn genetic diseases. Last evaluated: 2025-09-19. Review status: criteria provided, single submitter. Criteria: Ambry Variant Classification Scheme 2023. Collection method: clinical testing. Allele origin: germline.
Comment: The p.D42A variant (also known as c.125A>C), located in coding exon 2 of the CEP57 gene, results from an A to C substitution at nucleotide position 125. The aspartic acid at codon 42 is replaced by alanine, an amino acid with dissimilar properties. This amino acid position is conserved. In addition, this alteration is predicted to be tolerated by in silico analysis. Based on the available evidence, the clinical significance of this variant remains unclear.